The following is an entry in ClinVar:

NM_000038.6(APC):c.2347G>T (p.Ala783Ser)

Gene: APC (APC regulator of Wnt signaling pathway; plus strand). Cytogenetic location: 5q22.2.
Variant type: single nucleotide variant.
Coding change: c.2347G>T on transcript NM_000038.6 (MANE Select); coding-DNA position 2347, G replaced by T.
Protein change: p.Ala783Ser; replaces alanine 783 with serine.
Molecular consequence: missense variant.
Genome position (GRCh38, 1-based): chr5:112,837,941, G>T. VCF-style: chr5-112837941-G-T. GRCh37 (hg19) VCF-style: chr5-112173638-G-T.
Other names: c.2347G>T, p.Ala783Ser (NM_001127510.3, NM_001354895.2); c.2293G>T, p.Ala765Ser (NM_001127511.3); c.2401G>T, p.Ala801Ser (NM_001354896.2); c.2377G>T, p.Ala793Ser (NM_001354897.2); c.2272G>T, p.Ala758Ser (NM_001354898.2); c.2263G>T, p.Ala755Ser (NM_001354899.2); c.2224G>T, p.Ala742Ser (NM_001354900.2); c.2170G>T, p.Ala724Ser (NM_001354901.2); and 5 more; short protein forms A783S, A765S, A500S, A742S, A758S, A623S, A657S, A692S.
Identifiers: ClinVar variation 135688 (VCV000135688.1), dbSNP rs587780590, ClinGen allele CA007372.
Genomic context (GRCh38, chr5:112,837,941, plus strand): 5'-GAATTAGATGCTCAGCACTTATCAGAAACTTTTGACAATATAGACAATTTAAGTCCCAAG[G>T]CATCTCATCGTAGTAAGCAGAGACACAAGCAAAGTCTCTATGGTGATTATGTTTTTGACA-3'
Protein context (NP_000029.2, residues 773-793): FDNIDNLSPK[Ala783Ser]SHRSKQRHKQ

ClinVar aggregate classification (germline): Uncertain significance (0 of 4 stars; one submission).

Conditions:
Familial adenomatous polyposis 1 (FAP1). Also called: FAMILIAL ADENOMATOUS POLYPOSIS 1, ATTENUATED; POLYPOSIS, ADENOMATOUS INTESTINAL. Identifiers: MedGen C2713442, MONDO:0021056, OMIM 175100. Disease mechanism: loss of function.

Submission:

Labcorp Genetics (formerly Invitae), Labcorp
Classification: Uncertain significance for Adenomatous polyposis coli. Last evaluated: 2014-06-11. Review status: no assertion criteria provided. Collection method: clinical testing. Allele origin: germline.
Comment: The interpretation for this sequence variant was made by Invitae based on the ACMG guidelines.